The following is an entry in ClinVar:

ClinVar aggregate classification (germline): Uncertain significance (1 of 4 stars; one submission).

Conditions:
Long QT syndrome (LQTS). Identifiers: MedGen C0023976, MeSH D008133, MONDO:0002442. Disease mechanism: loss of function. Inheritance: Various modes of inheritance.

Submission:

Labcorp Genetics (formerly Invitae), Labcorp
Classification: Uncertain significance for Long QT syndrome. Last evaluated: 2024-05-14. Review status: criteria provided, single submitter. Criteria: Invitae Variant Classification Sherloc (09022015). Collection method: clinical testing. Allele origin: germline.
Comment: This sequence change replaces valine, which is neutral and non-polar, with isoleucine, which is neutral and non-polar, at codon 1111 of the KCNH2 protein (p.Val1111Ile). This variant is not present in population databases (gnomAD no frequency). This variant has not been reported in the literature in individuals affected with KCNH2-related conditions. An algorithm developed to predict the effect of missense changes on protein structure and function (PolyPhen-2) suggests that this variant is likely to be tolerated. In summary, the available evidence is currently insufficient to determine the role of this variant in disease. Therefore, it has been classified as a Variant of Uncertain Significance.

NM_000238.4(KCNH2):c.3331G>A (p.Val1111Ile)

Gene: KCNH2 (potassium voltage-gated channel subfamily H member 2; minus strand). Cytogenetic location: 7q36.1.
Variant type: single nucleotide variant.
Coding change: c.3331G>A on transcript NM_000238.4 (MANE Select); coding-DNA position 3331, G replaced by A.
Protein change: p.Val1111Ile; replaces valine 1111 with isoleucine.
Molecular consequence: missense variant. On other transcripts: non-coding transcript variant (2).
Genome position (GRCh38, 1-based): chr7:150,945,514, C>T on the plus strand (G>A on the coding strand, the complement: KCNH2 is on the minus strand). VCF-style: chr7-150945514-C-T. GRCh37 (hg19) VCF-style: chr7-150642602-C-T.
Other names: c.3043G>A, p.Val1015Ile (NM_001406753.1); c.2311G>A, p.Val771Ile (NM_172057.3); short protein forms V1015I, V771I, V1111I.
Identifiers: ClinVar variation 3689594 (VCV003689594.2).